The following is an entry in ClinVar:

NM_006129.5(BMP1):c.2234-2A>G

Gene: BMP1 (bone morphogenetic protein 1; plus strand). Cytogenetic location: 8p21.3.
Variant type: single nucleotide variant.
Coding change: c.2234-2A>G on transcript NM_006129.5 (MANE Select); the canonical splice acceptor site of the intron before coding-DNA position 2234, A replaced by G.
Molecular consequence: splice acceptor variant.
Genome position (GRCh38, 1-based): chr8:22,206,852, A>G. VCF-style: chr8-22206852-A-G. GRCh37 (hg19) VCF-style: chr8-22064365-A-G.
Identifiers: ClinVar variation 2713951 (VCV002713951.3), dbSNP rs2539032716, ClinGen allele CA370507363.

ClinVar aggregate classification (germline): Likely pathogenic (1 of 4 stars; one submission).

Submission:

Labcorp Genetics (formerly Invitae), Labcorp
Classification: Likely pathogenic. Last evaluated: 2024-01-29. Review status: criteria provided, single submitter. Criteria: Invitae Variant Classification Sherloc (09022015). Collection method: clinical testing. Allele origin: germline.
Comment: This sequence change affects an acceptor splice site in intron 16 of the BMP1 gene. It is expected to disrupt RNA splicing. Variants that disrupt the donor or acceptor splice site typically lead to a loss of protein function (PMID: 16199547), and loss-of-function variants in BMP1 are known to be pathogenic (PMID: 25656619, 27576954, 28257626). This variant is not present in population databases (gnomAD no frequency). This variant has not been reported in the literature in individuals affected with BMP1-related conditions. Algorithms developed to predict the effect of sequence changes on RNA splicing suggest that this variant may disrupt the consensus splice site. In summary, the currently available evidence indicates that the variant is pathogenic, but additional data are needed to prove that conclusively. Therefore, this variant has been classified as Likely Pathogenic.

Literature cited by the submitters: PubMed 16199547; PubMed 25656619; PubMed 27576954; PubMed 28257626.